The following is an entry in ClinVar:

ClinVar aggregate classification (germline): Uncertain significance (1 of 4 stars; one submission).

gnomAD v4.1: 5 of 1,613,968 alleles (0.00031%); highest among the groups gnomAD compares: East Asian, 0.0022%; no homozygotes.

Submission:

GeneDx
Classification: Uncertain significance. Last evaluated: 2025-07-10. Review status: criteria provided, single submitter. Criteria: GeneDx Variant Classification Process June 2021. Collection method: clinical testing. Allele origin: germline. Affected: yes.
Comment: In silico analysis suggests that this missense variant does not alter protein structure/function; Has not been previously published as pathogenic or benign to our knowledge

NM_001046.3(SLC12A2):c.1666A>G (p.Ile556Val)

Gene: SLC12A2 (solute carrier family 12 member 2; plus strand). Cytogenetic location: 5q23.3.
Variant type: single nucleotide variant.
Coding change: c.1666A>G on transcript NM_001046.3 (MANE Select); coding-DNA position 1666, A replaced by G.
Protein change: p.Ile556Val; replaces isoleucine 556 with valine.
Molecular consequence: missense variant. On other transcripts: non-coding transcript variant (1).
Genome position (GRCh38, 1-based): chr5:128,141,874, A>G. VCF-style: chr5-128141874-A-G. GRCh37 (hg19) VCF-style: chr5-127477566-A-G.
Other names: c.1666A>G, p.Ile556Val (NM_001256461.2); short protein forms I556V.
Identifiers: ClinVar variation 4685385 (VCV004685385.1).